The following is an entry in ClinVar:

ClinVar aggregate classification (germline): Uncertain significance (1 of 4 stars; one submission).

Submission:

Labcorp Genetics (formerly Invitae), Labcorp
Classification: Uncertain significance. Last evaluated: 2024-10-23. Review status: criteria provided, single submitter. Criteria: Invitae Variant Classification Sherloc (09022015). Collection method: clinical testing. Allele origin: germline.
Comment: This sequence change replaces alanine, which is neutral and non-polar, with glutamic acid, which is acidic and polar, at codon 130 of the SLC1A4 protein (p.Ala130Glu). This variant is not present in population databases (gnomAD no frequency). This variant has not been reported in the literature in individuals affected with SLC1A4-related conditions. ClinVar contains an entry for this variant (Variation ID: 1425993). Invitae Evidence Modeling of protein sequence and biophysical properties (such as structural, functional, and spatial information, amino acid conservation, physicochemical variation, residue mobility, and thermodynamic stability) indicates that this missense variant is expected to disrupt SLC1A4 protein function with a positive predictive value of 80%. In summary, the available evidence is currently insufficient to determine the role of this variant in disease. Therefore, it has been classified as a Variant of Uncertain Significance.

NM_003038.5(SLC1A4):c.389C>A (p.Ala130Glu)

Gene: SLC1A4 (solute carrier family 1 member 4; plus strand). Cytogenetic location: 2p14.
Variant type: single nucleotide variant.
Coding change: c.389C>A on transcript NM_003038.5 (MANE Select); coding-DNA position 389, C replaced by A.
Protein change: p.Ala130Glu; replaces alanine 130 with glutamic acid.
Molecular consequence: missense variant. On other transcripts: intron variant (3).
Genome position (GRCh38, 1-based): chr2:64,990,032, C>A. VCF-style: chr2-64990032-C-A. GRCh37 (hg19) VCF-style: chr2-65217166-C-A.
Other names: c.-134+1412C>A (NM_001348406.2, NM_001193493.2); c.-134+1478C>A (NM_001348407.2); short protein forms A130E.
Identifiers: ClinVar variation 1425993 (VCV001425993.6), dbSNP rs755320367, ClinGen allele CA347078773.